The following is an entry in ClinVar:

NM_022436.3(ABCG5):c.1255C>T (p.Arg419Cys)

Genes: ABCG5 (ATP binding cassette subfamily G member 5; minus strand), DYNC2LI1 (dynein cytoplasmic 2 light intermediate chain 1; plus strand). Cytogenetic location: 2p21.
Variant type: single nucleotide variant.
Coding change: c.1255C>T on transcript NM_022436.3 (MANE Select); coding-DNA position 1255, C replaced by T.
Protein change: p.Arg419Cys; replaces arginine 419 with cysteine.
Molecular consequence: missense variant. On other transcripts: intron variant (2).
Genome position (GRCh38, 1-based): chr2:43,823,982, G>A on the plus strand (C>T on the coding strand, the complement: ABCG5 is on the minus strand). VCF-style: chr2-43823982-G-A. GRCh37 (hg19) VCF-style: chr2-44051121-G-A.
Other names: c.1255C>T (NM_022436.2); c.*16-3404G>A (NM_001348913.2, NM_001348912.2); short protein forms R419C.
Identifiers: ClinVar variation 499836 (VCV000499836.13), dbSNP rs771475759, ClinGen allele CA1636352.

ClinVar aggregate classification (germline): Uncertain significance. Review status: criteria provided, multiple submitters, no conflicts (2 of 4 stars). 5 submissions from 5 submitters: Uncertain significance (4). 1 of the submissions does not count toward it. Last evaluated 2026-01-22.

Conditions:
Cardiovascular phenotype. Identifiers: MedGen CN230736.
Sitosterolemia 2. Identifiers: MedGen C5231453, MONDO:0020748, OMIM 618666.
Sitosterolemia (STSL). Also called: PHYTOSTEROLEMIA. Identifiers: Orphanet 2882, MedGen C0342907, MONDO:0008863.

Allele frequency attached by ClinVar (database versions not stated): TOPMed 0.00002.
gnomAD v4.1: 93 of 1,614,060 alleles (0.0058%); highest among the groups gnomAD compares: South Asian, 0.044%; no homozygotes.

Submissions (5):

Ambry Genetics
Classification: Uncertain significance for Cardiovascular phenotype. Last evaluated: 2026-01-22. Review status: criteria provided, single submitter. Criteria: Ambry Variant Classification Scheme 2023. Collection method: clinical testing. Allele origin: germline.
Comment: The p.R419C variant (also known as c.1255C>T), located in coding exon 9 of the ABCG5 gene, results from a C to T substitution at nucleotide position 1255. The arginine at codon 419 is replaced by cysteine, an amino acid with highly dissimilar properties. This variant has been identified in the homozygous state and/or in conjunction with other ABCG5 variant(s) in individual(s) with features consistent with sitosterolemia (Desai SR et al. Indian J Hematol Blood Transfus, 2021 Jan;37:157-161). This amino acid position is highly conserved in available vertebrate species. In addition, this alteration is predicted to be deleterious by in silico analysis. Based on the available evidence, the clinical significance of this variant remains unclear.

Labcorp Genetics (formerly Invitae), Labcorp
Classification: Uncertain significance for Sitosterolemia. Last evaluated: 2026-01-12. Review status: criteria provided, single submitter. Criteria: Invitae Variant Classification Sherloc (09022015). Collection method: clinical testing. Allele origin: germline.
Comment: This sequence change replaces arginine, which is basic and polar, with cysteine, which is neutral and slightly polar, at codon 419 of the ABCG5 protein (p.Arg419Cys). This variant is present in population databases (rs771475759, gnomAD 0.03%). This missense change has been observed in individual(s) with clinical features of sitosterolemia (PMID: 32041611, 32088153, 32942937). ClinVar contains an entry for this variant (Variation ID: 499836). An algorithm developed to predict the effect of missense changes on protein structure and function (PolyPhen-2) suggests that this variant is likely to be disruptive. This variant disrupts the p.Arg419 amino acid residue in ABCG5. Other variant(s) that disrupt this residue have been determined to be pathogenic (PMID: 11452359, 11855938, 21576934, 32862661). This suggests that this residue is clinically significant, and that variants that disrupt this residue are likely to be disease-causing. In summary, the available evidence is currently insufficient to determine the role of this variant in disease. Therefore, it has been classified as a Variant of Uncertain Significance.

Women's Health and Genetics/Laboratory Corporation of America, LabCorp
Classification: Uncertain significance. Last evaluated: 2024-07-29. Review status: criteria provided, single submitter. Criteria: LabCorp Variant Classification Summary - May 2015. Collection method: clinical testing. Allele origin: germline.
Comment: Variant summary: ABCG5 c.1255C>T (p.Arg419Cys) results in a non-conservative amino acid change located in the ABC-2 type transporter, transmembrane domain (IPR013525) of the encoded protein sequence. Five of five in-silico tools predict a damaging effect of the variant on protein function. The variant allele was found at a frequency of 6.8e-05 in 251472 control chromosomes. This frequency is not significantly higher than estimated for a pathogenic variant in ABCG5 causing Sitosterolemia (6.8e-05 vs 0.0032), allowing no conclusion about variant significance. c.1255C>T has been reported in the literature in individuals affected with Sitosterolemia (Okavor_2022, Desai_2021). These data indicate that the variant may be associated with disease. To our knowledge, no experimental evidence demonstrating an impact on protein function has been reported. The following publications have been ascertained in the context of this evaluation (PMID: 33707850, 32942937, 32088153). ClinVar contains an entry for this variant (Variation ID: 499836). Based on the evidence outlined above, the variant was classified as VUS-possibly pathogenic.

Eurofins Ntd Llc (ga)
Classification: Uncertain significance. Last evaluated: 2017-01-10. Review status: criteria provided, single submitter. Criteria: EGL Classification Definitions 2015. Collection method: clinical testing. Allele origin: germline. Observed: 1 variant allele, 1 heterozygote.

Cardiovascular Genetics Laboratory, PathWest Laboratory Medicine WA - Fiona Stanley Hospital
Classification: Likely pathogenic for Sitosterolemia 2. Last evaluated: 2022-09-28. Review status: no assertion criteria provided. Criteria: ACMG Guidelines, 2015. Collection method: clinical testing. Allele origin: germline. Affected: yes. Not counted in ClinVar's aggregate classification.

Literature cited by the submitters: PubMed 33707850 (cited by Ambry Genetics and Women's Health and Genetics/Laboratory Corporation of America, LabCorp); PubMed 32041611 (cited by Labcorp Genetics (formerly Invitae), Labcorp); PubMed 32088153 (cited by Labcorp Genetics (formerly Invitae), Labcorp and Women's Health and Genetics/Laboratory Corporation of America, LabCorp); PubMed 32942937 (cited by Labcorp Genetics (formerly Invitae), Labcorp and Women's Health and Genetics/Laboratory Corporation of America, LabCorp); PubMed 11452359 (cited by Labcorp Genetics (formerly Invitae), Labcorp); PubMed 11855938 (cited by Labcorp Genetics (formerly Invitae), Labcorp); PubMed 21576934 (cited by Labcorp Genetics (formerly Invitae), Labcorp); PubMed 32862661 (cited by Labcorp Genetics (formerly Invitae), Labcorp).